The following is an entry in ClinVar:

ClinVar aggregate classification (germline): Uncertain significance (1 of 4 stars; one submission).

Conditions:
Neurodevelopmental disorder with seizures and brain atrophy. Identifiers: MedGen C5436732, MONDO:0033658, OMIM 619072.

Submission:

3billion
Classification: Uncertain significance for Neurodevelopmental disorder with seizures and brain atrophy. Last evaluated: 2023-12-06. Review status: criteria provided, single submitter. Criteria: ACMG Guidelines, 2015. Collection method: clinical testing. Allele origin: germline. Affected: yes.
Comment: The variant is observed at an extremely low frequency in the gnomAD v2.1.1 dataset (total allele frequency: <0.001%). Predicted Consequence/Location: Start-lost: reinitiation of translation may occur at a downstream alternate start codon but still result in a loss or disruption of normal protein function as there have been pathogenic variants reported upstream of the alternate start codon. Therefore, this variant is classified as VUS according to the recommendation of ACMG/AMP guideline.

NM_001013839.4(EXOC7):c.1A>G (p.Met1Val)

Gene: EXOC7 (exocyst complex component 7; minus strand). Cytogenetic location: 17q25.1.
Variant type: single nucleotide variant.
Coding change: c.1A>G on transcript NM_001013839.4 (MANE Select); coding-DNA position 1, A replaced by G.
Protein change: p.Met1Val; changes the start codon (methionine 1).
Molecular consequence: missense variant, initiator codon variant.
Genome position (GRCh38, 1-based): chr17:76,103,692, T>C on the plus strand (A>G on the coding strand, the complement: EXOC7 is on the minus strand). VCF-style: chr17-76103692-T-C. GRCh37 (hg19) VCF-style: chr17-74099773-T-C.
Other names: c.1A>G, p.Met1Val (NM_001145297.4, NM_001145298.4, NM_001145299.4 and 5 more transcripts); short protein forms M1V.
Identifiers: ClinVar variation 3775402 (VCV003775402.1).